The following is an entry in ClinVar:

NM_002439.5(MSH3):c.2695A>G (p.Met899Val)

Gene: MSH3 (mutS homolog 3; plus strand). Cytogenetic location: 5q14.1.
Variant type: single nucleotide variant.
Coding change: c.2695A>G on transcript NM_002439.5 (MANE Select); coding-DNA position 2695, A replaced by G.
Protein change: p.Met899Val; replaces methionine 899 with valine.
Molecular consequence: missense variant.
Genome position (GRCh38, 1-based): chr5:80,813,623, A>G. VCF-style: chr5-80813623-A-G. GRCh37 (hg19) VCF-style: chr5-80109442-A-G.
Other names: short protein forms M899V.
Identifiers: ClinVar variation 664031 (VCV000664031.22), dbSNP rs756956247, ClinGen allele CA3328331.

ClinVar aggregate classification (germline): Uncertain significance. Review status: criteria provided, multiple submitters, no conflicts (2 of 4 stars). 9 submissions from 9 submitters: Uncertain significance (9). Last evaluated 2025-05-14.

Conditions:
Endometrial carcinoma. Also called: Endometrial carcinoma, somatic. Identifiers: MedGen C0476089, MONDO:0002447, OMIM 608089, HP:0012114.
MSH3-related disorder. Also called: MSH3-related condition.
Familial adenomatous polyposis 4 (FAP4). Also called: MSH3-related attenuated familial adenomatous polyposis. Identifiers: Orphanet 480536, MedGen C4310719, MONDO:0044300, OMIM 617100.
Hereditary cancer-predisposing syndrome. Also called: Tumor predisposition; Hereditary neoplastic syndrome; Neoplastic Syndromes, Hereditary; Hereditary Cancer Syndrome. Identifiers: Orphanet 140162, MedGen C0027672, MeSH D009386, MONDO:0015356.

Allele frequency attached by ClinVar (database versions not stated): gnomAD exomes 0.00004 and 0.00015; ExAC 0.00005; TOPMed 0.00005; gnomAD 0.00007.
gnomAD v4.1: 225 of 1,614,028 alleles (0.014%); highest among the groups gnomAD compares: Non-Finnish European, 0.018%; no homozygotes.

Submissions (9):

Quest Diagnostics Nichols Institute San Juan Capistrano
Classification: Uncertain significance. Last evaluated: 2025-05-14. Review status: criteria provided, single submitter. Criteria: Quest Diagnostics criteria. Collection method: clinical testing. Allele origin: unknown.
Comment: The MSH3 c.2695A>G (p.Met899Val) variant has been reported in the published literature in an individual with melanoma (PMID: 37766469 (2024)). The frequency of this variant in the general population (Genome Aggregation Database) is uninformative in the assessment of its pathogenicity. Analysis of this variant using bioinformatics tools for the prediction of the effect of amino acid changes on protein structure and function yielded conflicting predictions that this variant is deleterious or benign. Based on the available information, we are unable to determine the clinical significance of this variant.

Center for Genomic Medicine, Rigshospitalet, Copenhagen University Hospital
Classification: Uncertain significance. Last evaluated: 2025-03-04. Review status: criteria provided, single submitter. Criteria: ACMG Guidelines, 2015. Collection method: clinical testing. Allele origin: germline.

Labcorp Genetics (formerly Invitae), Labcorp
Classification: Uncertain significance. Last evaluated: 2025-01-30. Review status: criteria provided, single submitter. Criteria: Invitae Variant Classification Sherloc (09022015). Collection method: clinical testing. Allele origin: germline.
Comment: This sequence change replaces methionine, which is neutral and non-polar, with valine, which is neutral and non-polar, at codon 899 of the MSH3 protein (p.Met899Val). This variant is present in population databases (rs756956247, gnomAD 0.008%). This variant has not been reported in the literature in individuals affected with MSH3-related conditions. ClinVar contains an entry for this variant (Variation ID: 664031). An algorithm developed to predict the effect of missense changes on protein structure and function (PolyPhen-2) suggests that this variant is likely to be disruptive. RNA analysis performed to evaluate the impact of this missense change on mRNA splicing indicates it does not significantly alter splicing (internal data). In summary, the available evidence is currently insufficient to determine the role of this variant in disease. Therefore, it has been classified as a Variant of Uncertain Significance.

Ambry Genetics
Classification: Uncertain significance for Hereditary cancer-predisposing syndrome. Last evaluated: 2024-10-15. Review status: criteria provided, single submitter. Criteria: Ambry Variant Classification Scheme 2023. Collection method: clinical testing. Allele origin: germline.
Comment: The p.M899V variant (also known as c.2695A>G), located in coding exon 20 of the MSH3 gene, results from an A to G substitution at nucleotide position 2695. The methionine at codon 899 is replaced by valine, an amino acid with highly similar properties. This amino acid position is highly conserved in available vertebrate species. In addition, this alteration is predicted to be deleterious by in silico analysis. Based on the available evidence, the clinical significance of this variant remains unclear.

Baylor Genetics
Classification: Uncertain significance for Endometrial carcinoma. Last evaluated: 2024-02-08. Review status: criteria provided, single submitter. Criteria: ACMG Guidelines, 2015. Collection method: clinical testing. Allele origin: unknown.

PreventionGenetics, part of Exact Sciences
Classification: Uncertain significance for MSH3-related condition. Last evaluated: 2023-05-19. Review status: criteria provided, single submitter. Criteria: ACMG Guidelines, 2015. Collection method: clinical testing. Allele origin: germline.
Comment: The MSH3 c.2695A>G variant is predicted to result in the amino acid substitution p.Met899Val. To our knowledge, this variant has not been reported in the literature. This variant is reported in 0.0085% of alleles in individuals of European (Non-Finnish) descent in gnomAD. It is interpreted as uncertain significance in ClinVar. At this time, the clinical significance of this variant is uncertain due to the absence of conclusive functional and genetic evidence.

GeneDx
Classification: Uncertain significance. Last evaluated: 2023-05-04. Review status: criteria provided, single submitter. Criteria: GeneDx Variant Classification Process June 2021. Collection method: clinical testing. Allele origin: germline. Affected: yes.
Comment: Not observed at significant frequency in large population cohorts (gnomAD); In silico analysis supports that this missense variant has a deleterious effect on protein structure/function; Has not been previously published as pathogenic or benign to our knowledge

St. Jude Molecular Pathology, St. Jude Children's Research Hospital
Classification: Uncertain significance for Familial adenomatous polyposis 4. Last evaluated: 2023-01-09. Review status: criteria provided, single submitter. Criteria: St. Jude Assertion Criteria 2020. Collection method: clinical testing. Allele origin: germline.
Comment: The MSH3 c.2695A>G (p.Met899Val) missense change has a maximum subpopulation frequency of 0.0085% in gnomAD v2.1.1. The in silico tool REVEL predicts a deleterious effect of this variant on protein function, and to our knowledge functional studies have not been performed. To our knowledge, this variant has not been reported in individuals with MSH3-related attenuated familial adenomatous polyposis. In summary, the evidence currently available is insufficient to determine the clinical significance of this variant. It has therefore been classified as of uncertain significance.

Sema4
Classification: Uncertain significance for Hereditary cancer-predisposing syndrome. Last evaluated: 2022-03-09. Review status: criteria provided, single submitter. Criteria: Sema4 Curation Guidelines. Collection method: curation. Allele origin: germline.
Comment: To the best of our knowledge, the MSH3 c.2695A>G (p.M899V) variant has not been reported in individuals with MSH3-related disease. It was observed in 11/129166 chromosomes of the Non-Finnish European subpopulation in the large and broad cohorts of the Genome Aggregation Database (PMID: 32461654). The variant has been reported in ClinVar (Variation ID 664031). In silico tools suggest the impact of the variant on protein function is deleterious though these predictions have not been confirmed by functional studies. The evidence is insufficient to meet ACMG/AMP criteria for classifying the variant as benign or pathogenic. Thus, the clinical significance of this variant is currently uncertain.

Literature cited by the submitters: PubMed 37766469 (cited by Quest Diagnostics Nichols Institute San Juan Capistrano).